The following is an entry in ClinVar:

NM_153460.4(IL17RC):c.2110C>G (p.Pro704Ala)

Genes: IL17RC (interleukin 17 receptor C; plus strand), LOC129936144 (ATAC-STARR-seq lymphoblastoid silent region 14051; plus strand). Cytogenetic location: 3p25.3.
Variant type: single nucleotide variant.
Coding change: c.2110C>G on transcript NM_153460.4 (MANE Select); coding-DNA position 2110, C replaced by G.
Protein change: p.Pro704Ala; replaces proline 704 with alanine.
Molecular consequence: missense variant. On other transcripts: non-coding transcript variant (1).
Genome position (GRCh38, 1-based): chr3:9,933,540, C>G. VCF-style: chr3-9933540-C-G. GRCh37 (hg19) VCF-style: chr3-9975224-C-G.
Other names: c.2071C>G, p.Pro691Ala (NM_001203263.2); c.2020C>G, p.Pro674Ala (NM_001203264.2); c.2014C>G, p.Pro672Ala (NM_001203265.2); c.2032C>G, p.Pro678Ala (NM_001367278.1); c.1951C>G, p.Pro651Ala (NM_001367279.1); c.2026C>G, p.Pro676Ala (NM_001367280.1); c.2065C>G, p.Pro689Ala (NM_032732.6); c.2323C>G, p.Pro775Ala (NM_153461.4); short protein forms P775A, P704A, P651A, P676A, P689A, P691A, P672A, P674A.
Identifiers: ClinVar variation 542532 (VCV000542532.6), dbSNP rs1036868156, ClinGen allele CA351709763.

ClinVar aggregate classification (germline): Uncertain significance (1 of 4 stars; one submission).

Conditions:
Candidiasis, familial, 9 (CANDF9). Identifiers: Orphanet 1334, MedGen C4225324, MONDO:0014642, OMIM 616445.

Submission:

Labcorp Genetics (formerly Invitae), Labcorp
Classification: Uncertain significance for Candidiasis, familial, 9. Last evaluated: 2017-11-04. Review status: criteria provided, single submitter. Criteria: Invitae Variant Classification Sherloc (09022015). Collection method: clinical testing. Allele origin: germline.
Comment: In summary, the available evidence is currently insufficient to determine the role of this variant in disease. Therefore, it has been classified as a Variant of Uncertain Significance. Algorithms developed to predict the effect of missense changes on protein structure and function (SIFT, PolyPhen-2, Align-GVGD) all suggest that this variant is likely to be tolerated, but these predictions have not been confirmed by published functional studies and their clinical significance is uncertain. This variant has not been reported in the literature in individuals with IL17RC-related disease. This variant is not present in population databases (ExAC no frequency). This sequence change replaces proline with alanine at codon 775 of the IL17RC protein (p.Pro775Ala). The proline residue is weakly conserved and there is a small physicochemical difference between proline and alanine.